The following is an entry in ClinVar:

NM_013275.6(ANKRD11):c.7026G>T (p.Gln2342His)

Gene: ANKRD11 (ankyrin repeat domain 11; minus strand). Cytogenetic location: 16q24.3.
Variant type: single nucleotide variant.
Coding change: c.7026G>T on transcript NM_013275.6 (MANE Select); coding-DNA position 7026, G replaced by T.
Protein change: p.Gln2342His; replaces glutamine 2342 with histidine.
Molecular consequence: missense variant.
Genome position (GRCh38, 1-based): chr16:89,279,516, C>A on the plus strand (G>T on the coding strand, the complement: ANKRD11 is on the minus strand). VCF-style: chr16-89279516-C-A. GRCh37 (hg19) VCF-style: chr16-89345924-C-A.
Other names: c.7026G>T, p.Gln2342His (NM_001256183.2, NM_001256182.2); short protein forms Q2342H.
Identifiers: ClinVar variation 4885925 (VCV004885925.2).
Genomic context (GRCh38, chr16:89,279,516, plus strand): 5'-GGTGGGGGCGCACTCCTTCTCGGAGGGGGGCGGGCCCTGCTTGCTCTGGTTCGCGAGCAT[C>A]TGCGCCCGGTTCCTGGTCATGCGCTGAGGGATCTCCTCCACTCGGGGGGCCTTCGGGGCT-3'
Protein context (NP_037407.4, residues 2332-2352): IPQRMTRNRA[Gln2342His]MLANQSKQGP

ClinVar aggregate classification (germline): Uncertain significance (1 of 4 stars; one submission).

Submission:

Dasa
Classification: Uncertain significance. Last evaluated: 2025-01-06. Review status: criteria provided, single submitter. Criteria: DASA Assertion Criteria. Collection method: clinical testing. Allele origin: germline.
Comment: NM_013275.6(ANKRD11):c.7026G>T (p.Gln2342His) is a missense variant that results in the substitution of glutamine with histidine. This variant is absent from population databases. The currently available literature and clinical evidence are not sufficient to establish a definitive association between this variant and the reported condition. Therefore, this variant is classified as a variant of uncertain significance.